The following is an entry in ClinVar:

ClinVar aggregate classification (germline): Uncertain significance (1 of 4 stars; one submission).

Allele frequency attached by ClinVar (database versions not stated): gnomAD 0.00001.

Submission:

Ambry Genetics
Classification: Uncertain significance. Last evaluated: 2024-05-02. Review status: criteria provided, single submitter. Criteria: Ambry Variant Classification Scheme 2023. Collection method: clinical testing. Allele origin: germline.
Comment: The p.G1201E variant (also known as c.3602G>A), located in coding exon 4 of the ALPK2 gene, results from a G to A substitution at nucleotide position 3602. The glycine at codon 1201 is replaced by glutamic acid, an amino acid with similar properties. This amino acid position is conserved. In addition, this alteration is predicted to be tolerated by in silico analysis. Since supporting evidence is limited at this time, the clinical significance of this alteration remains unclear.

NM_052947.4(ALPK2):c.3602G>A (p.Gly1201Glu)

Gene: ALPK2 (alpha kinase 2; minus strand). Cytogenetic location: 18q21.31.
Variant type: single nucleotide variant.
Coding change: c.3602G>A on transcript NM_052947.4 (MANE Select); coding-DNA position 3602, G replaced by A.
Protein change: p.Gly1201Glu; replaces glycine 1201 with glutamic acid.
Molecular consequence: missense variant.
Genome position (GRCh38, 1-based): chr18:58,536,585, C>T on the plus strand (G>A on the coding strand, the complement: ALPK2 is on the minus strand). VCF-style: chr18-58536585-C-T. GRCh37 (hg19) VCF-style: chr18-56203817-C-T.
Other names: short protein forms G1201E.
Identifiers: ClinVar variation 1733111 (VCV001733111.3), dbSNP rs756480480, ClinGen allele CA402566383.